The following is an entry in ClinVar:

ClinVar aggregate classification (germline): Pathogenic/Likely pathogenic. Review status: criteria provided, multiple submitters, no conflicts (2 of 4 stars). 3 submissions from 3 submitters: Pathogenic (1); Likely pathogenic (2). Last evaluated 2026-01-31.

Conditions:
Muscular dystrophy-dystroglycanopathy (congenital with impaired intellectual development), type B, 1. Also called: MUSCULAR DYSTROPHY, CONGENITAL, POMT1-RELATED; Muscular dystrophy-dystroglycanopathy (congenital with intellectual disability), type B1. Identifiers: MedGen C5436962, MONDO:0013159, OMIM 613155.
Autosomal recessive limb-girdle muscular dystrophy type 2K. Also called: MUSCULAR DYSTROPHY-DYSTROGLYCANOPATHY (LIMB-GIRDLE), TYPE C, 1; MUSCULAR DYSTROPHY, LIMB-GIRDLE, TYPE 2K. Identifiers: Orphanet 86812, MedGen C1836373, MONDO:0012248, OMIM 609308.
Muscular dystrophy-dystroglycanopathy (congenital with brain and eye anomalies), type A1 (MDDGA1). Also called: COD-MD SYNDROME; Muscular dystrophy-dystroglycanopathy (congenital with brain and eye anomalies), type A, 1; WALKER-WARBURG SYNDROME OR MUSCLE-EYE-BRAIN DISEASE, POMT1-RELATED; Hydrocephalus, agyria and retinal dysplasia; Hard +/- E syndrome; Warburg syndrome. Identifiers: Orphanet 588, Orphanet 899, MedGen C4284790, MONDO:0009364, OMIM 236670.
Walker-Warburg congenital muscular dystrophy. Also called: Muscular dystrophy-dystroglycanopathy, type A; Walker-Warburg syndrome. Identifiers: Orphanet 899, MedGen C0265221, MONDO:0000171.

Submissions (3):

Labcorp Genetics (formerly Invitae), Labcorp
Classification: Pathogenic for Muscular dystrophy-dystroglycanopathy (congenital with impaired intellectual development), type B, 1; Walker-Warburg congenital muscular dystrophy; Autosomal recessive limb-girdle muscular dystrophy type 2K. Last evaluated: 2026-01-31. Review status: criteria provided, single submitter. Criteria: Invitae Variant Classification Sherloc (09022015). Collection method: clinical testing. Allele origin: germline.
Comment: This sequence change creates a premature translational stop signal (p.Leu421Profs*13) in the POMT1 gene. It is expected to result in an absent or disrupted protein product. Loss-of-function variants in POMT1 are known to be pathogenic (PMID: 12369018, 15637732, 16575835). This variant is present in population databases (rs749018170, gnomAD 0.002%). This variant has not been reported in the literature in individuals affected with POMT1-related conditions. ClinVar contains an entry for this variant (Variation ID: 2678004). For these reasons, this variant has been classified as Pathogenic.

Fulgent Genetics
Classification: Likely pathogenic for Muscular dystrophy-dystroglycanopathy (congenital with brain and eye anomalies), type A1; Autosomal recessive limb-girdle muscular dystrophy type 2K; Muscular dystrophy-dystroglycanopathy (congenital with impaired intellectual development), type B, 1. Last evaluated: 2024-04-26. Review status: criteria provided, single submitter. Criteria: ACMG Guidelines, 2015. Collection method: clinical testing. Allele origin: germline.

Baylor Genetics
Classification: Likely pathogenic for Muscular dystrophy-dystroglycanopathy (congenital with brain and eye anomalies), type A1. Last evaluated: 2024-01-21. Review status: criteria provided, single submitter. Criteria: ACMG Guidelines, 2015. Collection method: clinical testing. Allele origin: unknown.

Literature cited by the submitters: PubMed 12369018 (cited by Labcorp Genetics (formerly Invitae), Labcorp); PubMed 15637732 (cited by Labcorp Genetics (formerly Invitae), Labcorp); PubMed 16575835 (cited by Labcorp Genetics (formerly Invitae), Labcorp).

NM_001077365.2(POMT1):c.1195dup (p.Leu399fs)

Gene: POMT1 (protein O-mannosyltransferase 1; plus strand). Cytogenetic location: 9q34.13.
Variant type: Duplication.
Coding change: c.1195dup on transcript NM_001077365.2 (MANE Select); coding-DNA position 1195, one base duplicated (C; older notation c.1195dupC).
Protein change: p.Leu399fs; shifts the reading frame from leucine 399.
Molecular consequence: frameshift variant. On other transcripts: non-coding transcript variant (10).
Genome position (GRCh38, 1-based): chr9:131,515,445, C duplicated; the last of 6 consecutive C bases (chr9:131,515,440-131,515,445); duplicating any one gives the same sequence. VCF-style (leftmost placement, unchanged base first): chr9-131515439-G-GC. GRCh37 (hg19) VCF-style: chr9-134390826-G-GC.
Other names: c.1033dup, p.Leu345fs (NM_001077366.2, NM_001353194.2); c.1195dup, p.Leu399fs (NM_001136113.2, NM_001374690.1); c.844dup, p.Leu282fs (NM_001136114.2, NM_001353195.2, NM_001374691.1 and 2 more transcripts); c.1261dup, p.Leu421fs (NM_001353193.2, NM_007171.4); c.1105dup, p.Leu369fs (NM_001353196.2); c.1099dup, p.Leu367fs (NM_001353197.2, NM_001353198.2); c.910dup, p.Leu304fs (NM_001353199.2); c.739dup, p.Leu247fs (NM_001353200.2); and 4 more; short protein forms L22fs, L247fs, L269fs, L282fs, L304fs, L345fs, L367fs, L369fs.
Identifiers: ClinVar variation 2678004 (VCV002678004.6), dbSNP rs749018170, ClinGen allele CA5293575.